The following is an entry in ClinVar:

ClinVar aggregate classification (germline): Uncertain significance. Review status: criteria provided, multiple submitters, no conflicts (2 of 4 stars). 3 submissions from 3 submitters: Uncertain significance (3). Last evaluated 2024-04-04.

Conditions:
Fanconi anemia (FA). Also called: Fanconi's anemia. Identifiers: Orphanet 84, MedGen C0015625, MeSH D005199, MONDO:0019391.
Fanconi anemia complementation group P. Also called: SLX4-Related Fanconi Anemia. Identifiers: Orphanet 84, MedGen C3469542, MONDO:0013499, OMIM 613951.

Allele frequency attached by ClinVar (database versions not stated): ExAC 0.00001; gnomAD exomes 0.00001; TOPMed 0.00001; gnomAD 0.00002.
gnomAD v4.1: 18 of 1,614,022 alleles (0.0011%); highest among the groups gnomAD compares: Middle Eastern, 0.033%; no homozygotes.

Submissions (3):

Genomic Medicine Center of Excellence, King Faisal Specialist Hospital and Research Centre
Classification: Uncertain significance for Fanconi anemia complementation group P. Last evaluated: 2024-04-04. Review status: criteria provided, single submitter. Criteria: ACMG Guidelines, 2015. Collection method: clinical testing. Allele origin: germline.

Fulgent Genetics
Classification: Uncertain significance for Fanconi anemia complementation group P. Last evaluated: 2024-03-21. Review status: criteria provided, single submitter. Criteria: ACMG Guidelines, 2015. Collection method: clinical testing. Allele origin: germline.

Labcorp Genetics (formerly Invitae), Labcorp
Classification: Uncertain significance for Fanconi anemia. Last evaluated: 2023-06-13. Review status: criteria provided, single submitter. Criteria: Invitae Variant Classification Sherloc (09022015). Collection method: clinical testing. Allele origin: germline.
Comment: This sequence change replaces lysine, which is basic and polar, with glutamic acid, which is acidic and polar, at codon 412 of the SLX4 protein (p.Lys412Glu). In summary, the available evidence is currently insufficient to determine the role of this variant in disease. Therefore, it has been classified as a Variant of Uncertain Significance. An algorithm developed to predict the effect of missense changes on protein structure and function (PolyPhen-2) suggests that this variant is likely to be disruptive. ClinVar contains an entry for this variant (Variation ID: 944006). This variant has not been reported in the literature in individuals affected with SLX4-related conditions. This variant is present in population databases (rs774436086, gnomAD 0.003%).

NM_032444.4(SLX4):c.1234A>G (p.Lys412Glu)

Gene: SLX4 (SLX4 structure-specific endonuclease subunit; minus strand). Cytogenetic location: 16p13.3.
Variant type: single nucleotide variant.
Coding change: c.1234A>G on transcript NM_032444.4 (MANE Select); coding-DNA position 1234, A replaced by G.
Protein change: p.Lys412Glu; replaces lysine 412 with glutamic acid.
Molecular consequence: missense variant.
Genome position (GRCh38, 1-based): chr16:3,597,929, T>C on the plus strand (A>G on the coding strand, the complement: SLX4 is on the minus strand). VCF-style: chr16-3597929-T-C. GRCh37 (hg19) VCF-style: chr16-3647930-T-C.
Other names: short protein forms K412E.
Identifiers: ClinVar variation 944006 (VCV000944006.9), dbSNP rs774436086, ClinGen allele CA7866581.